The following is an entry in ClinVar:

NM_001164665.2(KIAA1549):c.5339C>G (p.Pro1780Arg)

Gene: KIAA1549 (KIAA1549; minus strand). Cytogenetic location: 7q34.
Variant type: single nucleotide variant.
Coding change: c.5339C>G on transcript NM_001164665.2 (MANE Select); coding-DNA position 5339, C replaced by G.
Protein change: p.Pro1780Arg; replaces proline 1780 with arginine.
Molecular consequence: missense variant.
Genome position (GRCh38, 1-based): chr7:138,844,430, G>C on the plus strand (C>G on the coding strand, the complement: KIAA1549 is on the minus strand). VCF-style: chr7-138844430-G-C. GRCh37 (hg19) VCF-style: chr7-138529175-G-C.
Other names: c.5339C>G, p.Pro1780Arg (NM_020910.3); c.5339C>G (NM_001164665.1); short protein forms P1780R.
Identifiers: ClinVar variation 1016130 (VCV001016130.5), dbSNP rs1460244178, ClinGen allele CA369388942.
Genomic context (GRCh38, chr7:138,844,430, plus strand): 5'-TAGATCCCTCTGGCAGCAAATGGGGCTTCGGCGGAGGCCTGTGGCTGCTGAGGGTCAGGG[G>C]GCACCAGCTCTGTAGACTGCAGCAAACCGGGGCCAAAACCTGGTCTGAAGGCAAAGCAAA-3'
Protein context (NP_001158137.1, residues 1770-1790): PGLLQSTELV[Pro1780Arg]PDPQQPQASA

ClinVar aggregate classification (germline): Uncertain significance. Review status: criteria provided, multiple submitters, no conflicts (2 of 4 stars). 2 submissions from 2 submitters: Uncertain significance (2). Last evaluated 2025-09-02.

Conditions:
Inborn genetic diseases. Identifiers: MedGen C0950123, MeSH D030342.

Allele frequency attached by ClinVar (database versions not stated): gnomAD exomes below 0.00001 and 0.00001; TOPMed below 0.00001.
gnomAD v4.1: 8 of 1,587,016 alleles (0.0005%); highest among the groups gnomAD compares: Non-Finnish European, 0.00069%; no homozygotes.

Submissions (2):

Ambry Genetics
Classification: Uncertain significance for Inborn genetic diseases. Last evaluated: 2025-09-02. Review status: criteria provided, single submitter. Criteria: Ambry Variant Classification Scheme 2023. Collection method: clinical testing. Allele origin: germline.

Labcorp Genetics (formerly Invitae), Labcorp
Classification: Uncertain significance. Last evaluated: 2023-05-08. Review status: criteria provided, single submitter. Criteria: Invitae Variant Classification Sherloc (09022015). Collection method: clinical testing. Allele origin: germline.
Comment: In summary, the available evidence is currently insufficient to determine the role of this variant in disease. Therefore, it has been classified as a Variant of Uncertain Significance. An algorithm developed to predict the effect of missense changes on protein structure and function (PolyPhen-2) suggests that this variant is likely to be disruptive. ClinVar contains an entry for this variant (Variation ID: 1016130). This variant has not been reported in the literature in individuals affected with KIAA1549-related conditions. This variant is present in population databases (no rsID available, gnomAD 0.001%). This sequence change replaces proline, which is neutral and non-polar, with arginine, which is basic and polar, at codon 1780 of the KIAA1549 protein (p.Pro1780Arg).